The following is an entry in ClinVar:

ClinVar aggregate classification (germline): Uncertain significance (1 of 4 stars; one submission).

Conditions:
Renal cell carcinoma. Identifiers: Orphanet 217071, MedGen C0007134, MeSH D002292, MONDO:0005086, HP:0005584.

Allele frequency attached by ClinVar (database versions not stated): gnomAD exomes below 0.00001.
gnomAD v4.1: 1 of 1,614,212 alleles (0.000062%); highest among the groups gnomAD compares: Non-Finnish European, 0.000085%; no homozygotes.

Submission:

Labcorp Genetics (formerly Invitae), Labcorp
Classification: Uncertain significance for Renal cell carcinoma. Last evaluated: 2019-08-22. Review status: criteria provided, single submitter. Criteria: Invitae Variant Classification Sherloc (09022015). Collection method: clinical testing. Allele origin: germline.
Comment: This sequence change replaces valine with alanine at codon 1087 of the MET protein (p.Val1087Ala). The valine residue is highly conserved and there is a small physicochemical difference between valine and alanine. This variant is not present in population databases (ExAC no frequency). This variant has not been reported in the literature in individuals with MET-related conditions. Algorithms developed to predict the effect of missense changes on protein structure and function (SIFT, PolyPhen-2, Align-GVGD) all suggest that this variant is likely to be disruptive, but these predictions have not been confirmed by published functional studies and their clinical significance is uncertain. In summary, the available evidence is currently insufficient to determine the role of this variant in disease. Therefore, it has been classified as a Variant of Uncertain Significance.

NM_000245.4(MET):c.3206T>C (p.Val1069Ala)

Gene: MET (MET proto-oncogene, receptor tyrosine kinase; plus strand). Cytogenetic location: 7q31.2.
Variant type: single nucleotide variant.
Coding change: c.3206T>C on transcript NM_000245.4 (MANE Select); coding-DNA position 3206, T replaced by C.
Protein change: p.Val1069Ala; replaces valine 1069 with alanine.
Molecular consequence: missense variant.
Genome position (GRCh38, 1-based): chr7:116,775,058, T>C. VCF-style: chr7-116775058-T-C. GRCh37 (hg19) VCF-style: chr7-116415112-T-C.
Other names: c.3260T>C, p.Val1087Ala (NM_001127500.3); c.1916T>C, p.Val639Ala (NM_001324402.2); short protein forms V1087A, V639A, V1069A.
Identifiers: ClinVar variation 953122 (VCV000953122.9), dbSNP rs1794953455, ClinGen allele CA368988636.